The following is an entry in ClinVar:

NM_020247.5(COQ8A):c.854-12_854-10del

Gene: COQ8A (coenzyme Q8A; plus strand). Cytogenetic location: 1q42.13.
Variant type: Deletion.
Coding change: c.854-12_854-10del on transcript NM_020247.5 (MANE Select); 12 bases into the intron before coding-DNA position 854 through 10 bases into the intron before coding-DNA position 854, 3 bases deleted (CCT; older notation c.854-12_854-10delCCT).
Molecular consequence: intron variant.
Genome position (GRCh38, 1-based): chr1:226,982,666-226,982,668, CCT deleted; deleting any 3 consecutive bases within chr1:226,982,664-226,982,668 gives the same sequence; the c. name uses the placement nearest the transcript's 3' end. VCF-style (leftmost placement, unchanged base first): chr1-226982663-TCTC-T. GRCh37 (hg19) VCF-style: chr1-227170364-TCTC-T.
Other names: c.854-12_854-10delCCT (NM_020247.4).
Identifiers: ClinVar variation 1910015 (VCV001910015.8), dbSNP rs762867979, ClinGen allele CA1425195.
Genomic context (GRCh38, chr1:226,982,663, plus strand): 5'-GGAGTGTGCCCGCCCAGGTCCTGGGCGCACACTTTAATCCCCAGGTTCGCCCTGTGTCAT[TCTC>T]CTGCCTTCCAGATGATGCCTTTATCAACCCCCACCTGGCTAAGATCTTCGAGCGGGTGCG-3'

ClinVar aggregate classification (germline): Likely benign. Review status: criteria provided, multiple submitters, no conflicts (2 of 4 stars). 3 submissions from 3 submitters: Likely benign (2). 1 of the submissions does not count toward it. Last evaluated 2025-10-13.

Conditions:
COQ8A-related disorder. Also called: COQ8A-related condition.

Submissions (3):

Labcorp Genetics (formerly Invitae), Labcorp
Classification: Likely benign. Last evaluated: 2025-10-13. Review status: criteria provided, single submitter. Criteria: Invitae Variant Classification Sherloc (09022015). Collection method: clinical testing. Allele origin: germline.

Blueprint Genetics
Classification: Likely benign. Last evaluated: 2023-08-04. Review status: criteria provided, single submitter. Criteria: ACMG Guidelines, 2015. Collection method: clinical testing. Allele origin: germline.

PreventionGenetics, part of Exact Sciences
Classification: Likely benign for COQ8A-related condition. Last evaluated: 2019-07-12. Review status: no assertion criteria provided. Collection method: clinical testing. Allele origin: germline. Not counted in ClinVar's aggregate classification.
Comment: This variant is classified as likely benign based on ACMG/AMP sequence variant interpretation guidelines (Richards et al. 2015 PMID: 25741868, with internal and published modifications).